The following is an entry in ClinVar:

ClinVar aggregate classification (germline): Uncertain significance (1 of 4 stars; one submission).

Conditions:
Atrial standstill 1 (ATRST1). Also called: ATRIAL CARDIOMYOPATHY WITH HEART BLOCK; CARDIOMYOPATHY, FAMILIAL, WITH CONDUCTION DISTURBANCE; Atrial standstill, digenic (GJA5/SCN5A). Identifiers: Orphanet 1344, MedGen C4551959, MONDO:0007171, OMIM 108770.
Atrial fibrillation, familial, 11 (ATFB11). Identifiers: MedGen C3279693, MONDO:0013544, OMIM 614049.

gnomAD v4.1: 25 of 1,614,092 alleles (0.0015%); highest among the groups gnomAD compares: East Asian, 0.0022%; no homozygotes.

Submission:

Labcorp Genetics (formerly Invitae), Labcorp
Classification: Uncertain significance for Atrial fibrillation, familial, 11; Atrial standstill 1. Last evaluated: 2025-10-05. Review status: criteria provided, single submitter. Criteria: Invitae Variant Classification Sherloc (09022015). Collection method: clinical testing. Allele origin: germline.
Comment: This sequence change replaces valine, which is neutral and non-polar, with alanine, which is neutral and non-polar, at codon 21 of the GJA5 protein (p.Val21Ala). This variant is not present in population databases (gnomAD no frequency). This variant has not been reported in the literature in individuals affected with GJA5-related conditions. Invitae Evidence Modeling of protein sequence and biophysical properties (such as structural, functional, and spatial information, amino acid conservation, physicochemical variation, residue mobility, and thermodynamic stability) indicates that this missense variant is expected to disrupt GJA5 protein function with a positive predictive value of 80%. In summary, the available evidence is currently insufficient to determine the role of this variant in disease. Therefore, it has been classified as a Variant of Uncertain Significance.

NM_181703.4(GJA5):c.62T>C (p.Val21Ala)

Gene: GJA5 (gap junction protein alpha 5; minus strand). Cytogenetic location: 1q21.2.
Variant type: single nucleotide variant.
Coding change: c.62T>C on transcript NM_181703.4 (MANE Select); coding-DNA position 62, T replaced by C.
Protein change: p.Val21Ala; replaces valine 21 with alanine.
Molecular consequence: missense variant.
Genome position (GRCh38, 1-based): chr1:147,759,177, A>G on the plus strand (T>C on the coding strand, the complement: GJA5 is on the minus strand). VCF-style: chr1-147759177-A-G. GRCh37 (hg19) VCF-style: chr1-147231285-A-G.
Other names: c.62T>C, p.Val21Ala (NM_005266.7); short protein forms V21A.
Identifiers: ClinVar variation 4787505 (VCV004787505.1).
Genomic context (GRCh38, chr1:147,759,177, plus strand): 5'-GCAGCTGTGCCCAGCACGAGCATACGGAATATGAAGAGGACAGTGAGCCAGACCTTGCCT[A>G]CCACGGTCGAGTGCTTGTGTACTTCCTCCAGGAAATTTCCCAGGAAGCTCCAATCGCCCA-3'
Protein context (NP_859054.1, residues 11-31): LEEVHKHSTV[Val21Ala]GKVWLTVLFI